The following is an entry in ClinVar:

NM_005343.4(HRAS):c.175G>T (p.Ala59Ser)

Genes: HRAS (HRas proto-oncogene, GTPase; minus strand), LRRC56 (leucine rich repeat containing 56; plus strand). Cytogenetic location: 11p15.5.
Variant type: single nucleotide variant.
Coding change: c.175G>T on transcript NM_005343.4 (MANE Select); coding-DNA position 175, G replaced by T.
Protein change: p.Ala59Ser; replaces alanine 59 with serine.
Molecular consequence: missense variant. On other transcripts: 5 prime UTR variant (1).
Genome position (GRCh38, 1-based): chr11:533,881, C>A on the plus strand (G>T on the coding strand, the complement: HRAS is on the minus strand). VCF-style: chr11-533881-C-A. GRCh37 (hg19) VCF-style: chr11-533881-C-A.
Other names: c.175G>T, p.Ala59Ser (NM_001130442.3, NM_176795.5); c.-145G>T (NM_001318054.2); short protein forms A59S.
Identifiers: ClinVar variation 1334242 (VCV001334242.8), dbSNP rs727503093, ClinGen allele CA378924686.

ClinVar aggregate classification (germline): Uncertain significance. Review status: criteria provided, multiple submitters, no conflicts (2 of 4 stars). 2 submissions from 2 submitters: Uncertain significance (2). Last evaluated 2022-05-16.

Conditions:
Noonan syndrome and Noonan-related syndrome. Identifiers: Orphanet 98733, MedGen C5681679, MONDO:0020297.
Costello syndrome (CSTLO). Also called: FCS SYNDROME; FACIOCUTANEOSKELETAL SYNDROME; HRAS-Related Costello Syndrome. Identifiers: Orphanet 3071, MedGen C0587248, MONDO:0009026, OMIM 218040.

Submissions (2):

Labcorp Genetics (formerly Invitae), Labcorp
Classification: Uncertain significance for Costello syndrome. Last evaluated: 2022-05-16. Review status: criteria provided, single submitter. Criteria: Invitae Variant Classification Sherloc (09022015). Collection method: clinical testing. Allele origin: germline.
Comment: This variant has not been reported in the literature in individuals affected with HRAS-related conditions. This sequence change replaces alanine, which is neutral and non-polar, with serine, which is neutral and polar, at codon 59 of the HRAS protein (p.Ala59Ser). This variant is not present in population databases (gnomAD no frequency). ClinVar contains an entry for this variant (Variation ID: 1334242). Algorithms developed to predict the effect of missense changes on protein structure and function (SIFT, PolyPhen-2, Align-GVGD) all suggest that this variant is likely to be disruptive. In summary, the available evidence is currently insufficient to determine the role of this variant in disease. Therefore, it has been classified as a Variant of Uncertain Significance.

Genome Diagnostics Laboratory, The Hospital for Sick Children
Classification: Uncertain significance for Noonan syndrome and Noonan-related syndrome. Last evaluated: 2020-09-23. Review status: criteria provided, single submitter. Criteria: ACMG Guidelines, 2015. Collection method: clinical testing. Allele origin: germline.